The following is an entry in ClinVar:

NM_000186.4(CFH):c.1154G>T (p.Cys385Phe)

Gene: CFH (complement factor H; plus strand). Cytogenetic location: 1q31.3.
Variant type: single nucleotide variant.
Coding change: c.1154G>T on transcript NM_000186.4 (MANE Select); coding-DNA position 1154, G replaced by T.
Protein change: p.Cys385Phe; replaces cysteine 385 with phenylalanine.
Molecular consequence: missense variant.
Genome position (GRCh38, 1-based): chr1:196,689,609, G>T. VCF-style: chr1-196689609-G-T. GRCh37 (hg19) VCF-style: chr1-196658739-G-T.
Other names: c.1154G>T, p.Cys385Phe (NM_001014975.3); short protein forms C385F.
Identifiers: ClinVar variation 3236204 (VCV003236204.1), dbSNP rs2529386595, ClinGen allele CA343980245.

ClinVar aggregate classification (germline): Likely pathogenic (1 of 4 stars; one submission).

Conditions:
Hemolytic uremic syndrome, atypical, susceptibility to, 1. Also called: AHUS, SUSCEPTIBILITY TO, 1. Identifiers: Orphanet 2134, Orphanet 90038, MedGen C2749604, MONDO:0009335, OMIM 235400. Disease mechanism: Other.

Submission:

MVZ Medizinische Genetik Mainz
Classification: Likely pathogenic for Hemolytic uremic syndrome, atypical, susceptibility to, 1. Last evaluated: 2023-03-08. Review status: criteria provided, single submitter. Criteria: UK Practice Guidelines For Variant Classification V4 01 2020. Collection method: clinical testing. Allele origin: germline. Inheritance: Autosomal dominant inheritance. Affected: yes. Observed: 1 variant allele.
Comment: ACMG Criteria: PM1_STR, PM2_SUP, PM5, PP3